The following is an entry in ClinVar:

ClinVar aggregate classification (germline): Benign (1 of 4 stars; one submission).

Submission:

GeneDx
Classification: Benign. Last evaluated: 2018-06-16. Review status: criteria provided, single submitter. Criteria: GeneDx Variant Classification (06012015). Collection method: clinical testing. Allele origin: germline. Affected: yes.
Comment: This variant is considered likely benign or benign based on one or more of the following criteria: it is a conservative change, it occurs at a poorly conserved position in the protein, it is predicted to be benign by multiple in silico algorithms, and/or has population frequency not consistent with disease.

NM_014141.6(CNTNAP2):c.1498+117AAAC[3]

Gene: CNTNAP2 (contactin associated protein 2; plus strand). Cytogenetic location: 7q35.
Variant type: Microsatellite.
Coding change: c.1498+117AAAC[3] on transcript NM_014141.6 (MANE Select); three copies in a row of the 4-base unit AAAC starting at c.1498+117; the reference has two copies in a row; one copy, 4 bases duplicated.
Molecular consequence: intron variant.
Genome position (GRCh38, 1-based): chr7:147,300,411-147,300,414, AAAC duplicated; duplicating any 4 consecutive bases within chr7:147,300,407-147,300,414 gives the same sequence; the position shown is the placement nearest the transcript's 3' end. VCF-style (leftmost placement, unchanged base first): chr7-147300406-A-AAAAC. GRCh37 (hg19) VCF-style: chr7-146997498-A-AAAAC.
Identifiers: ClinVar variation 676748 (VCV000676748.1), dbSNP rs3837092, ClinGen allele CA168711502.